The following is an entry in ClinVar:

ClinVar aggregate classification (germline): Uncertain significance (1 of 4 stars; one submission).

Conditions:
Cardiomyopathy (CMYO). Also called: Cardiomyopathies. Identifiers: Orphanet 167848, MedGen C0878544, MONDO:0004994, HP:0001638. Inheritance: Various modes of inheritance.

Submission:

Color Diagnostics, LLC DBA Color Health
Classification: Uncertain significance for Cardiomyopathy. Last evaluated: 2021-02-01. Review status: criteria provided, single submitter. Criteria: ACMG Guidelines, 2015. Collection method: clinical testing. Allele origin: germline.
Comment: This variant causes an A to C nucleotide substitution at the -2 position of intron 4 of the RYR2 gene. Splice prediction tools suggest that this variant may disrupt RNA splicing. To our knowledge, functional studies have not been reported for this variant. This variant has not been reported in individuals affected with cardiovascular disorders in the literature. This variant has not been identified in the general population by the Genome Aggregation Database (gnomAD). Clinical relevance of loss-of-function truncation and splice variants in the RYR2 gene is not clearly established. The available evidence is insufficient to determine the role of this variant in disease conclusively. Therefore, this variant is classified as a Variant of Uncertain Significance.

NM_001035.3(RYR2):c.295-2A>C

Gene: RYR2 (ryanodine receptor 2; plus strand). Cytogenetic location: 1q43.
Variant type: single nucleotide variant.
Coding change: c.295-2A>C on transcript NM_001035.3 (MANE Select); the canonical splice acceptor site of the intron before coding-DNA position 295, A replaced by C.
Molecular consequence: splice acceptor variant.
Genome position (GRCh38, 1-based): chr1:237,364,356, A>C. VCF-style: chr1-237364356-A-C. GRCh37 (hg19) VCF-style: chr1-237527656-A-C.
Identifiers: ClinVar variation 1172211 (VCV001172211.2), dbSNP rs2149727068, ClinGen allele CA345654823.
Genomic context (GRCh38, chr1:237,364,356, plus strand): 5'-TAAGGAAGTCTTTGAGATCGTGTCTATTTAATGTTTCCTCTCTTTTCCTTATGCCCCTAC[A>C]GAAATTCATGATGAAGGTAAGACATCTTAATATATATGCTATGTATATATATAGCAGATA-3'